The following is an entry in ClinVar:

ClinVar aggregate classification (germline): Uncertain significance (0 of 4 stars; one submission).

Conditions:
TRIO-related disorder. Also called: TRIO-related disorders; TRIO-related condition.

Submission:

PreventionGenetics, part of Exact Sciences
Classification: Uncertain significance for TRIO-related condition. Last evaluated: 2023-12-06. Review status: no assertion criteria provided. Collection method: clinical testing. Allele origin: germline.
Comment: The TRIO c.3254T>G variant is predicted to result in the amino acid substitution p.Leu1085Arg. To our knowledge, this variant has not been reported in the literature or in a large population database, indicating this variant is rare. At this time, the clinical significance of this variant is uncertain due to the absence of conclusive functional and genetic evidence.

NM_007118.4(TRIO):c.3254T>G (p.Leu1085Arg)

Gene: TRIO (trio Rho guanine nucleotide exchange factor; plus strand). Cytogenetic location: 5p15.2.
Variant type: single nucleotide variant.
Coding change: c.3254T>G on transcript NM_007118.4 (MANE Select); coding-DNA position 3254, T replaced by G.
Protein change: p.Leu1085Arg; replaces leucine 1085 with arginine.
Molecular consequence: missense variant. On other transcripts: non-coding transcript variant (1).
Genome position (GRCh38, 1-based): chr5:14,374,266, T>G. VCF-style: chr5-14374266-T-G. GRCh37 (hg19) VCF-style: chr5-14374375-T-G.
Other names: short protein forms L1085R.
Identifiers: ClinVar variation 3036388 (VCV003036388.2), dbSNP rs2532735238, ClinGen allele CA359218514.
Genomic context (GRCh38, chr5:14,374,266, plus strand): 5'-CATTGCTCTCCATTGTTTTTTAGGCTTGCACCCTTGCTCGGAGGAATGCAGACGTCTTCC[T>G]GAAATACCTGCACAGGAACAGCGTGAACATGCCAGGAATGGTGACGCACATCAAAGCTCC-3'
Protein context (NP_009049.2, residues 1075-1095): TLARRNADVF[Leu1085Arg]KYLHRNSVNM